The following is an entry in ClinVar:

NM_001792.5(CDH2):c.2021G>C (p.Gly674Ala)

Gene: CDH2 (cadherin 2; minus strand). Cytogenetic location: 18q12.1.
Variant type: single nucleotide variant.
Coding change: c.2021G>C on transcript NM_001792.5 (MANE Select); coding-DNA position 2021, G replaced by C.
Protein change: p.Gly674Ala; replaces glycine 674 with alanine.
Molecular consequence: missense variant.
Genome position (GRCh38, 1-based): chr18:27,985,188, C>G on the plus strand (G>C on the coding strand, the complement: CDH2 is on the minus strand). VCF-style: chr18-27985188-C-G. GRCh37 (hg19) VCF-style: chr18-25565152-C-G.
Other names: c.1928G>C, p.Gly643Ala (NM_001308176.2); short protein forms G643A, G674A.
Identifiers: ClinVar variation 2047281 (VCV002047281.4), dbSNP rs1273934223, ClinGen allele CA402107037.

ClinVar aggregate classification (germline): Uncertain significance (1 of 4 stars; one submission).

Submission:

Labcorp Genetics (formerly Invitae), Labcorp
Classification: Uncertain significance. Last evaluated: 2024-10-28. Review status: criteria provided, single submitter. Criteria: Invitae Variant Classification Sherloc (09022015). Collection method: clinical testing. Allele origin: germline.
Comment: This sequence change replaces glycine, which is neutral and non-polar, with alanine, which is neutral and non-polar, at codon 674 of the CDH2 protein (p.Gly674Ala). This variant is not present in population databases (gnomAD no frequency). This variant has not been reported in the literature in individuals affected with CDH2-related conditions. ClinVar contains an entry for this variant (Variation ID: 2047281). An algorithm developed to predict the effect of missense changes on protein structure and function (PolyPhen-2) suggests that this variant is likely to be tolerated. In summary, the available evidence is currently insufficient to determine the role of this variant in disease. Therefore, it has been classified as a Variant of Uncertain Significance.